The following is an entry in ClinVar:

NM_002076.4(GNS):c.1650T>C (p.His550=)

Gene: GNS (glucosamine (N-acetyl)-6-sulfatase; minus strand). Cytogenetic location: 12q14.3.
Variant type: single nucleotide variant.
Coding change: c.1650T>C on transcript NM_002076.4 (MANE Select); coding-DNA position 1650, T replaced by C.
Protein change: p.His550=; no amino-acid change (histidine 550 retained).
Molecular consequence: synonymous variant.
Genome position (GRCh38, 1-based): chr12:64,716,750, A>G on the plus strand (T>C on the coding strand, the complement: GNS is on the minus strand). VCF-style: chr12-64716750-A-G. GRCh37 (hg19) VCF-style: chr12-65110530-A-G.
Identifiers: ClinVar variation 310205 (VCV000310205.25), dbSNP rs2230292, ClinGen allele CA6669614.

ClinVar aggregate classification (germline): Benign. Review status: criteria provided, multiple submitters, no conflicts (2 of 4 stars). 9 submissions from 9 submitters: Benign (4). 5 of the submissions do not count toward it. Last evaluated 2026-02-03.

Conditions:
Sanfilippo syndrome. Also called: Mucopolysaccharidosis Type III; Mucopolysaccharidosis type 3; Sanfilippo disease. Identifiers: Orphanet 581, MedGen C0026706, MONDO:0018937.
GNS-related disorder. Also called: GNS-related condition.
Mucopolysaccharidosis, MPS-III-D (MPS3D). Also called: MPS III D; Mucopoly-saccharidosis type 3D; N-acetylglucosamine-6-sulfate sulfatase deficiency; MPS 3D; MPS IIID (Sanfilippo Syndrome Type D); N-ACETYLGLUCOSAMINE-6-SULFATASE DEFICIENCY. Identifiers: Orphanet 581, Orphanet 79272, MedGen C0086650, MONDO:0009658, OMIM 252940.

Allele frequency attached by ClinVar (database versions not stated): ExAC 0.01083; gnomAD exomes 0.00331 and 0.00886; TOPMed 0.03783; ESP Exome Variant Server 0.04014; 1000 Genomes Project 0.03395; gnomAD 0.03419 and 0.03695; 1000 Genomes Project 30x 0.03592.
gnomAD v4.1: 10,167 of 1,606,404 alleles (0.63%); highest among the groups gnomAD compares: African/African-American, 12%; 608 homozygotes.

Submissions (9):

Labcorp Genetics (formerly Invitae), Labcorp
Classification: Benign for Mucopolysaccharidosis, MPS-III-D. Last evaluated: 2026-02-03. Review status: criteria provided, single submitter. Criteria: Invitae Variant Classification Sherloc (09022015). Collection method: clinical testing. Allele origin: germline.

GeneDx
Classification: Benign. Last evaluated: 2018-10-05. Review status: criteria provided, single submitter. Criteria: GeneDx Variant Classification Process June 2021. Collection method: clinical testing. Allele origin: germline. Affected: yes.

Illumina Laboratory Services, Illumina
Classification: Benign for Mucopolysaccharidosis, MPS-III-D. Last evaluated: 2018-01-13. Review status: criteria provided, single submitter. Criteria: ICSL Variant Classification Criteria 13 December 2019. Collection method: clinical testing. Allele origin: germline.
Comment: This variant was observed in the ICSL laboratory as part of a predisposition screen in an ostensibly healthy population. It had not been previously curated by ICSL or reported in the Human Gene Mutation Database (HGMD: prior to June 1st, 2018), and was therefore a candidate for classification through an automated scoring system. Utilizing variant allele frequency, disease prevalence and penetrance estimates, and inheritance mode, an automated score was calculated to assess if this variant is too frequent to cause the disease. Based on the score and internal cut-off values, a variant classified as benign is not then subjected to further curation. The score for this variant resulted in a classification of benign for this disease.

Breakthrough Genomics
Classification: Benign. Review status: criteria provided, single submitter. Criteria: ACMG Guidelines, 2015. Collection method: not provided. Allele origin: germline. Inheritance: Autosomal recessive inheritance. Affected: yes.

Natera, Inc.
Classification: Benign for Sanfilippo disease. Last evaluated: 2019-11-28. Review status: no assertion criteria provided. Collection method: clinical testing. Allele origin: germline. Not counted in ClinVar's aggregate classification.

PreventionGenetics, part of Exact Sciences
Classification: Benign for GNS-related condition. Last evaluated: 2019-07-01. Review status: no assertion criteria provided. Collection method: clinical testing. Allele origin: germline. Not counted in ClinVar's aggregate classification.
Comment: This variant is classified as benign based on ACMG/AMP sequence variant interpretation guidelines (Richards et al. 2015 PMID: 25741868, with internal and published modifications).

Mayo Clinic Laboratories, Mayo Clinic
Classification: Benign. Last evaluated: 2016-02-03. Review status: no assertion criteria provided. Collection method: clinical testing. Allele origin: unknown. Not counted in ClinVar's aggregate classification.

Clinical Genetics DNA and cytogenetics Diagnostics Lab, Erasmus MC, Erasmus Medical Center
Classification: Benign. Review status: no assertion criteria provided. Collection method: clinical testing. Allele origin: germline. Affected: yes. Study: VKGL Data-share Consensus. Not counted in ClinVar's aggregate classification.

Clinical Genetics, Academic Medical Center
Classification: Benign. Review status: no assertion criteria provided. Collection method: clinical testing. Allele origin: germline. Affected: yes. Study: VKGL Data-share Consensus. Not counted in ClinVar's aggregate classification.